The following is an entry in ClinVar:

ClinVar aggregate classification (germline): Conflicting classifications of pathogenicity. Review status: criteria provided, conflicting classifications (1 of 4 stars). 6 submissions from 6 submitters: Uncertain significance (4); Likely benign (1). 1 of the submissions does not count toward it. Last evaluated 2025-12-08.

Conditions:
Neuromuscular disease caused by qualitative or quantitative defects of dysferlin. Also called: Qualitative or quantitative defects of dysferlin; Dysferlinopathy. Identifiers: Orphanet 207073, MedGen C2931687, MONDO:0016145.
Autosomal recessive limb-girdle muscular dystrophy type 2B (LGMDR2). Also called: Limb-girdle muscular dystrophy, type 2B; MUSCULAR DYSTROPHY, LIMB-GIRDLE, AUTOSOMAL RECESSIVE 2; Limb-Girdle Muscular Dystrophy Type 2B (LGMD2B); MUSCULAR DYSTROPHY, LIMB-GIRDLE, TYPE 3. Identifiers: Orphanet 268, MedGen C1850889, MONDO:0009676, OMIM 253601.

Allele frequency attached by ClinVar (database versions not stated): gnomAD exomes 0.00004; ExAC 0.00006; ESP Exome Variant Server 0.00008; 1000 Genomes Project 30x 0.00031; gnomAD 0.00031 and 0.00034; TOPMed 0.00037; 1000 Genomes Project 0.00040.
gnomAD v4.1: 105 of 1,611,460 alleles (0.0065%); highest among the groups gnomAD compares: African/African-American, 0.13%; no homozygotes.

Submissions (6):

Labcorp Genetics (formerly Invitae), Labcorp
Classification: Likely benign for Neuromuscular disease caused by qualitative or quantitative defects of dysferlin. Last evaluated: 2025-12-08. Review status: criteria provided, single submitter. Criteria: Invitae Variant Classification Sherloc (09022015). Collection method: clinical testing. Allele origin: germline.

Blueprint Genetics
Classification: Uncertain significance. Last evaluated: 2023-03-08. Review status: criteria provided, single submitter. Criteria: ACMG Guidelines, 2015. Collection method: clinical testing. Allele origin: germline.

Revvity Omics, Revvity
Classification: Uncertain significance. Last evaluated: 2022-02-12. Review status: criteria provided, single submitter. Criteria: ACMG Guidelines, 2015. Collection method: clinical testing. Allele origin: germline.

GeneDx
Classification: Uncertain significance. Last evaluated: 2021-03-12. Review status: criteria provided, single submitter. Criteria: GeneDx Variant Classification Process June 2021. Collection method: clinical testing. Allele origin: germline. Affected: yes.
Comment: Identified in the single heterozygous state in an individual with limb-girdle muscular dystrophy, however, a second variant was not identified (Nallamilli et al., 2018); In silico analysis supports that this missense variant has a deleterious effect on protein structure/function; This variant is associated with the following publications: (PMID: 30564623)

Eurofins Ntd Llc (ga)
Classification: Uncertain significance. Last evaluated: 2016-11-21. Review status: criteria provided, single submitter. Criteria: EGL Classification Definitions 2015. Collection method: clinical testing. Allele origin: germline. Observed: 1 variant allele, 1 heterozygote.

Natera, Inc.
Classification: Uncertain significance for Limb-girdle muscular dystrophy type 2B. Last evaluated: 2019-12-12. Review status: no assertion criteria provided. Collection method: clinical testing. Allele origin: germline. Not counted in ClinVar's aggregate classification.

NM_001130987.2(DYSF):c.5216A>T (p.Gln1739Leu)

Gene: DYSF (dysferlin; plus strand). Cytogenetic location: 2p13.2.
Variant type: single nucleotide variant.
Coding change: c.5216A>T on transcript NM_001130987.2 (MANE Select); coding-DNA position 5216, A replaced by T.
Protein change: p.Gln1739Leu; replaces glutamine 1739 with leucine.
Molecular consequence: missense variant.
Genome position (GRCh38, 1-based): chr2:71,665,203, A>T. VCF-style: chr2-71665203-A-T. GRCh37 (hg19) VCF-style: chr2-71892333-A-T.
Other names: c.5102A>T, p.Gln1701Leu (NM_001130455.2); c.5057A>T, p.Gln1686Leu (NM_001130976.2); c.5120A>T, p.Gln1707Leu (NM_001130977.2); c.5162A>T, p.Gln1721Leu (NM_001130978.2); c.5192A>T, p.Gln1731Leu (NM_001130979.2); c.5150A>T, p.Gln1717Leu (NM_001130980.2); c.5213A>T, p.Gln1738Leu (NM_001130981.2); c.5195A>T, p.Gln1732Leu (NM_001130982.2); and 5 more; short protein forms Q1700L, Q1739L, Q1686L, Q1701L, Q1718L, Q1722L, Q1732L, Q1717L.
Identifiers: ClinVar variation 498372 (VCV000498372.18), dbSNP rs149408006, ClinGen allele CA1707293.